The following is an entry in ClinVar:

NM_000465.4(BARD1):c.594T>C (p.Ala198=)

Gene: BARD1 (BRCA1 associated RING domain 1; minus strand). Cytogenetic location: 2q35.
Variant type: single nucleotide variant.
Coding change: c.594T>C on transcript NM_000465.4 (MANE Select); coding-DNA position 594, T replaced by C.
Protein change: p.Ala198=; no amino-acid change (alanine 198 retained).
Molecular consequence: synonymous variant. On other transcripts: non-coding transcript variant (2), intron variant (3).
Genome position (GRCh38, 1-based): chr2:214,781,280, A>G on the plus strand (T>C on the coding strand, the complement: BARD1 is on the minus strand). VCF-style: chr2-214781280-A-G. GRCh37 (hg19) VCF-style: chr2-215646004-A-G.
Other names: c.594T>C (NM_000465.2); c.537T>C, p.Ala179= (NM_001282543.2); c.158+28132T>C (NM_001282548.2); c.215+15781T>C (NM_001282545.2); c.364+11017T>C (NM_001282549.2).
Identifiers: ClinVar variation 3378466 (VCV003378466.2).

ClinVar aggregate classification (germline): Benign/Likely benign. Review status: criteria provided, multiple submitters, no conflicts (2 of 4 stars). 2 submissions from 2 submitters: Benign (1); Likely benign (1). Last evaluated 2026-06-06.

Conditions:
Hereditary cancer-predisposing syndrome. Also called: Neoplastic Syndromes, Hereditary; Tumor predisposition; Hereditary Cancer Syndrome; Hereditary neoplastic syndrome. Identifiers: Orphanet 140162, MedGen C0027672, MeSH D009386, MONDO:0015356.
Familial cancer of breast. Also called: BREAST CANCER, FAMILIAL; Hereditary breast cancer; hereditary breast carcinoma. Identifiers: Orphanet 227535, MedGen C0346153, MONDO:0016419, OMIM 114480. Disease mechanism: loss of function.

Submissions (2):

Ambry Genetics
Classification: Likely benign for Hereditary cancer-predisposing syndrome. Last evaluated: 2026-06-06. Review status: criteria provided, single submitter. Criteria: Ambry Variant Classification Scheme 2023. Collection method: clinical testing. Allele origin: germline.

Myriad Genetics, Inc.
Classification: Benign for Familial cancer of breast. Last evaluated: 2024-07-22. Review status: criteria provided, single submitter. Criteria: Myriad Autosomal Dominant, Autosomal Recessive and X-Linked Classification Criteria (2023). Collection method: clinical testing. Allele origin: unknown.
Comment: This variant is considered benign. This variant is a silent/synonymous amino acid change and it is not expected to impact splicing.